The following is an entry in ClinVar:

NM_006206.6(PDGFRA):c.1520T>G (p.Leu507Arg)

Gene: PDGFRA (platelet derived growth factor receptor alpha; plus strand). Cytogenetic location: 4q12.
Variant type: single nucleotide variant.
Coding change: c.1520T>G on transcript NM_006206.6 (MANE Select); coding-DNA position 1520, T replaced by G.
Protein change: p.Leu507Arg; replaces leucine 507 with arginine.
Molecular consequence: missense variant.
Genome position (GRCh38, 1-based): chr4:54,273,692, T>G. VCF-style: chr4-54273692-T-G. GRCh37 (hg19) VCF-style: chr4-55139859-T-G.
Other names: c.1520T>G, p.Leu507Arg (NM_001347827.2, NM_001347829.2); c.1595T>G, p.Leu532Arg (NM_001347828.2); c.1559T>G, p.Leu520Arg (NM_001347830.2); short protein forms L520R, L507R, L532R.
Identifiers: ClinVar variation 1401366 (VCV001401366.8), dbSNP rs2110293008, ClinGen allele CA356892736.

ClinVar aggregate classification (germline): Uncertain significance (1 of 4 stars; one submission).

Conditions:
Gastrointestinal stromal tumor. Also called: Gastrointestinal stroma tumor; Gastrointestinal stromal tumor, somatic. Identifiers: Orphanet 44890, MedGen C0238198, MeSH D046152, MONDO:0011719, OMIM 606764, HP:0100723.

Submission:

Labcorp Genetics (formerly Invitae), Labcorp
Classification: Uncertain significance for Gastrointestinal stromal tumor. Last evaluated: 2020-12-31. Review status: criteria provided, single submitter. Criteria: Invitae Variant Classification Sherloc (09022015). Collection method: clinical testing. Allele origin: germline.
Comment: In summary, the available evidence is currently insufficient to determine the role of this variant in disease. Therefore, it has been classified as a Variant of Uncertain Significance. Algorithms developed to predict the effect of missense changes on protein structure and function (SIFT, PolyPhen-2, Align-GVGD) all suggest that this variant is likely to be disruptive, but these predictions have not been confirmed by published functional studies and their clinical significance is uncertain. This variant has not been reported in the literature in individuals with PDGFRA-related conditions. This variant is not present in population databases (ExAC no frequency). This sequence change replaces leucine with arginine at codon 507 of the PDGFRA protein (p.Leu507Arg). The leucine residue is highly conserved and there is a moderate physicochemical difference between leucine and arginine.